The following is an entry in ClinVar:

ClinVar aggregate classification (germline): Uncertain significance (1 of 4 stars; one submission).

Allele frequency attached by ClinVar (database versions not stated): gnomAD exomes 0.00002.
gnomAD v4.1: 30 of 1,614,044 alleles (0.0019%); highest among the groups gnomAD compares: Non-Finnish European, 0.0025%; no homozygotes.

Submission:

CeGaT Center for Human Genetics Tuebingen
Classification: Uncertain significance. Last evaluated: 2023-08-01. Review status: criteria provided, single submitter. Criteria: CeGaT Center For Human Genetics Tuebingen Variant Classification Criteria Version 2. Collection method: clinical testing. Allele origin: germline. Affected: yes. Observed: 1 variant allele.
Comment: CIC: PM2

NM_001386298.1(CIC):c.4235T>C (p.Phe1412Ser)

Gene: CIC (capicua transcriptional repressor; plus strand). Cytogenetic location: 19q13.2.
Variant type: single nucleotide variant.
Coding change: c.4235T>C on transcript NM_001386298.1 (MANE Select); coding-DNA position 4235, T replaced by C.
Protein change: p.Phe1412Ser; replaces phenylalanine 1412 with serine.
Molecular consequence: missense variant.
Genome position (GRCh38, 1-based): chr19:42,290,276, T>C. VCF-style: chr19-42290276-T-C. GRCh37 (hg19) VCF-style: chr19-42794428-T-C.
Other names: c.4235T>C, p.Phe1412Ser (NM_001304815.2, NM_001379480.1, NM_001379482.1 and 1 more transcripts); c.1508T>C, p.Phe503Ser (NM_001379484.1, NM_001379485.1, NM_015125.5); short protein forms F1412S, F503S.
Identifiers: ClinVar variation 2649988 (VCV002649988.24), dbSNP rs2147249542, ClinGen allele CA406103868.